The following is an entry in ClinVar:

NM_003848.4(SUCLG2):c.790G>A (p.Asp264Asn)

Gene: SUCLG2 (succinate-CoA ligase GDP-forming subunit beta; minus strand). Cytogenetic location: 3p14.1.
Variant type: single nucleotide variant.
Coding change: c.790G>A on transcript NM_003848.4 (MANE Select); coding-DNA position 790, G replaced by A.
Protein change: p.Asp264Asn; replaces aspartic acid 264 with asparagine.
Molecular consequence: missense variant.
Genome position (GRCh38, 1-based): chr3:67,498,263, C>T on the plus strand (G>A on the coding strand, the complement: SUCLG2 is on the minus strand). VCF-style: chr3-67498263-C-T. GRCh37 (hg19) VCF-style: chr3-67548687-C-T.
Other names: c.790G>A, p.Asp264Asn (NM_001177599.2); short protein forms D264N.
Identifiers: ClinVar variation 1982141 (VCV001982141.4), dbSNP rs141728876, ClinGen allele CA2485885.

ClinVar aggregate classification (germline): Uncertain significance (1 of 4 stars; one submission).

Allele frequency attached by ClinVar (database versions not stated): TOPMed 0.00001; gnomAD 0.00003; ExAC 0.00006; 1000 Genomes Project 30x 0.00016; 1000 Genomes Project 0.00020.
gnomAD v4.1: 116 of 1,613,640 alleles (0.0072%); highest among the groups gnomAD compares: East Asian, 0.25%; no homozygotes.

Submission:

Labcorp Genetics (formerly Invitae), Labcorp
Classification: Uncertain significance. Last evaluated: 2022-09-06. Review status: criteria provided, single submitter. Criteria: Invitae Variant Classification Sherloc (09022015). Collection method: clinical testing. Allele origin: germline.
Comment: In summary, the available evidence is currently insufficient to determine the role of this variant in disease. Therefore, it has been classified as a Variant of Uncertain Significance. Algorithms developed to predict the effect of missense changes on protein structure and function are either unavailable or do not agree on the potential impact of this missense change (SIFT: "Deleterious"; PolyPhen-2: "Probably Damaging"; Align-GVGD: "Class C0"). This variant has not been reported in the literature in individuals affected with SUCLG2-related conditions. This variant is present in population databases (rs141728876, gnomAD 0.08%), and has an allele count higher than expected for a pathogenic variant. This sequence change replaces aspartic acid, which is acidic and polar, with asparagine, which is neutral and polar, at codon 264 of the SUCLG2 protein (p.Asp264Asn).